The following is an entry in ClinVar:

ClinVar aggregate classification (germline): Pathogenic/Likely pathogenic. Review status: criteria provided, multiple submitters, no conflicts (2 of 4 stars). 6 submissions from 4 submitters: Pathogenic (3); Likely pathogenic (1). 2 of the submissions do not count toward it. Last evaluated 2026-01-01.

Conditions:
Kallikrein, decreased urinary activity of. Identifiers: MedGen C1835808, MONDO:0014415, OMIM 615953.
Permanent neonatal diabetes mellitus-pancreatic and cerebellar agenesis syndrome. Also called: PANCREATIC AND CEREBELLAR AGENESIS. Identifiers: Orphanet 65288, MedGen C1836780, MONDO:0012192, OMIM 609069.
Syndromic Monogenic Diabetes.
Permanent neonatal diabetes mellitus (PNDM). Identifiers: Orphanet 99885, MedGen C1833104, MONDO:0100164, MONDO:0011643. Disease mechanism: gain of function.
Pancreatic agenesis 2 (PAGEN2). Also called: PANCREATIC HYPOPLASIA, CONGENITAL 2. Identifiers: Orphanet 2805, MedGen C4014737, MONDO:0014406, OMIM 615935.

Submissions (6):

Genomic Medicine Center of Excellence, King Faisal Specialist Hospital and Research Centre
Classification: Pathogenic for Syndromic Monogenic Diabetes. Last evaluated: 2026-01-01. Review status: criteria provided, single submitter. Criteria: ACMG Guidelines, 2015. Collection method: clinical testing. Allele origin: germline. Affected: yes.

Genomic Medicine Center of Excellence, King Faisal Specialist Hospital and Research Centre
Classification: Pathogenic for Permanent Neonatal Diabetes Mellitus. Last evaluated: 2026-01-01. Review status: criteria provided, single submitter. Criteria: ACMG Guidelines, 2015. Collection method: clinical testing. Allele origin: germline. Affected: yes.

Genomic Medicine Center of Excellence, King Faisal Specialist Hospital and Research Centre
Classification: Pathogenic for Permanent neonatal diabetes mellitus-pancreatic and cerebellar agenesis syndrome. Last evaluated: 2023-05-08. Review status: criteria provided, single submitter. Criteria: ACMG Guidelines, 2015. Collection method: research. Allele origin: germline. Affected: yes.

Victorian Clinical Genetics Services, Murdoch Childrens Research Institute
Classification: Likely pathogenic for Kallikrein, decreased urinary activity of. Review status: criteria provided, single submitter. Criteria: ACMG Guidelines, 2015. Collection method: clinical testing. Allele origin: biparental. Affected: yes.
Comment: Evidence in support of pathogenic classification: - Variant is absent from gnomAD (both v2 and v3). - Missense variant consistently predicted to be damaging by multiple in silico tools or highly conserved with a major amino acid change. - This variant has limited previous evidence of pathogenicity in unrelated individuals. Two unrelated pairs of siblings with pancreatic agenesis without cerebellum pathology (MIM#615953) have been reported with this variant. This variant has been described as a hypomorphic allele (PMID: 27284104). - This variant has moderate functional evidence supporting abnormal protein function. In vitro studies demonstrated residual transactivational activities and residual PTF1A:E12 dimer formation (PMID: 27284104). Additional information: - Loss of function is a known mechanism of disease in this gene and is associated with pancreatic agenesis, with and without cerebellar agenesis (MIM#609069 and 615953, respectively). Typically, individuals with null variants in this gene are described to have cerebellar pathology. However, all four individuals described so far to harbour the p.(Pro191Thr) variant, which has been shown to have residual activity (see above), have isolated pancreatic agenesis only (PMID: 28663161, 27284104). - This gene is associated with autosomal recessive disease. - Variant is predicted to result in a missense amino acid change from proline to threonine. - This variant is homozygous. - Variant is located in the annotated helix-loop-helix domain (PMID: 27284104; NCBI). - No comparable missense variants have previous evidence for pathogenicity. - This variant has limited evidence for segregation with disease. Two unrelated pairs of siblings as detailed above.

Clinical Laboratory Sciences Program (CLSP), King Saud bin Abdulaziz University for Health Sciences (KSAU-HS)
Classification: Likely pathogenic for Permanent neonatal diabetes mellitus-pancreatic and cerebellar agenesis syndrome. Last evaluated: 2023-04-01. Review status: no assertion criteria provided. Collection method: clinical testing. Allele origin: germline. Affected: yes. Not counted in ClinVar's aggregate classification.

Biochemical Molecular Genetic Laboratory, King Abdulaziz Medical City
Classification: Pathogenic for Pancreatic agenesis 2. Last evaluated: 2019-08-25. Review status: no assertion criteria provided. Collection method: clinical testing. Allele origin: germline. Affected: yes. Not counted in ClinVar's aggregate classification.

NM_178161.3(PTF1A):c.571C>A (p.Pro191Thr)

Gene: PTF1A (pancreas associated transcription factor 1a; plus strand). Cytogenetic location: 10p12.2.
Variant type: single nucleotide variant.
Coding change: c.571C>A on transcript NM_178161.3 (MANE Select); coding-DNA position 571, C replaced by A.
Protein change: p.Pro191Thr; replaces proline 191 with threonine.
Molecular consequence: missense variant.
Genome position (GRCh38, 1-based): chr10:23,193,101, C>A. VCF-style: chr10-23193101-C-A. GRCh37 (hg19) VCF-style: chr10-23482030-C-A.
Other names: short protein forms P191T.
Identifiers: ClinVar variation 800794 (VCV000800794.20), dbSNP rs1588563037, ClinGen allele CA376262900.